The following is an entry in ClinVar:

ClinVar aggregate classification (germline): Uncertain significance (1 of 4 stars; one submission).

Conditions:
Predisposition to invasive fungal disease due to CARD9 deficiency (IMD103). Also called: Candidiasis, familial, 2, autosomal recessive; CARD9 IMMUNODEFICIENCY; IMMUNODEFICIENCY 103, SUSCEPTIBILITY TO FUNGAL INFECTIONS. Identifiers: Orphanet 457088, MedGen C1859353, MONDO:0008905, OMIM 212050.

Allele frequency attached by ClinVar (database versions not stated): gnomAD 0.00004 and 0.00005; TOPMed 0.00011; gnomAD exomes 0.00013; ExAC 0.00018.

Submission:

Labcorp Genetics (formerly Invitae), Labcorp
Classification: Uncertain significance for Predisposition to invasive fungal disease due to CARD9 deficiency. Last evaluated: 2022-05-23. Review status: criteria provided, single submitter. Criteria: Invitae Variant Classification Sherloc (09022015). Collection method: clinical testing. Allele origin: germline.
Comment: This sequence change replaces leucine, which is neutral and non-polar, with valine, which is neutral and non-polar, at codon 395 of the CARD9 protein (p.Leu395Val). This variant is present in population databases (rs747645575, gnomAD 0.09%). This variant has not been reported in the literature in individuals affected with CARD9-related conditions. ClinVar contains an entry for this variant (Variation ID: 1011337). Algorithms developed to predict the effect of missense changes on protein structure and function are either unavailable or do not agree on the potential impact of this missense change (SIFT: "Deleterious"; PolyPhen-2: "Possibly Damaging"; Align-GVGD: "Class C0"). Algorithms developed to predict the effect of sequence changes on RNA splicing suggest that this variant may create or strengthen a splice site. In summary, the available evidence is currently insufficient to determine the role of this variant in disease. Therefore, it has been classified as a Variant of Uncertain Significance.

NM_052813.5(CARD9):c.1183C>G (p.Leu395Val)

Gene: CARD9 (caspase recruitment domain family member 9; minus strand). Cytogenetic location: 9q34.3.
Variant type: single nucleotide variant.
Coding change: c.1183C>G on transcript NM_052813.5 (MANE Select); coding-DNA position 1183, C replaced by G.
Protein change: p.Leu395Val; replaces leucine 395 with valine.
Molecular consequence: missense variant.
Genome position (GRCh38, 1-based): chr9:136,367,723, G>C on the plus strand (C>G on the coding strand, the complement: CARD9 is on the minus strand). VCF-style: chr9-136367723-G-C. GRCh37 (hg19) VCF-style: chr9-139262175-G-C.
Other names: c.1183C>G, p.Leu395Val (NM_052814.4); short protein forms L395V.
Identifiers: ClinVar variation 1011337 (VCV001011337.6), dbSNP rs747645575, ClinGen allele CA5332799.